The following is an entry in ClinVar:

NM_001164508.2(NEB):c.8341G>T (p.Ala2781Ser)

Gene: NEB (nebulin; minus strand). Cytogenetic location: 2q23.3.
Variant type: single nucleotide variant.
Coding change: c.8341G>T on transcript NM_001164508.2 (MANE Select); coding-DNA position 8341, G replaced by T.
Protein change: p.Ala2781Ser; replaces alanine 2781 with serine.
Molecular consequence: missense variant.
Genome position (GRCh38, 1-based): chr2:151,642,606, C>A on the plus strand (G>T on the coding strand, the complement: NEB is on the minus strand). VCF-style: chr2-151642606-C-A. GRCh37 (hg19) VCF-style: chr2-152499120-C-A.
Other names: c.8341G>T, p.Ala2781Ser (NM_001164507.2, NM_001271208.2, NM_004543.5); short protein forms A2781S.
Identifiers: ClinVar variation 465645 (VCV000465645.10), dbSNP rs1160244999, ClinGen allele CA348812553.

ClinVar aggregate classification (germline): Uncertain significance. Review status: criteria provided, single submitter (1 of 4 stars). 2 submissions from 2 submitters: Uncertain significance (1). 1 of the submissions does not count toward it. Last evaluated 2021-09-01.

Conditions:
Nemaline myopathy 2 (NEM2). Also called: Nemaline myopathy 2, autosomal recessive. Identifiers: MedGen C1850569, MONDO:0009725, OMIM 256030.

Allele frequency attached by ClinVar (database versions not stated): TOPMed 0.00001.

Submissions (2):

Labcorp Genetics (formerly Invitae), Labcorp
Classification: Uncertain significance for Nemaline myopathy 2. Last evaluated: 2021-09-01. Review status: criteria provided, single submitter. Criteria: Invitae Variant Classification Sherloc (09022015). Collection method: clinical testing. Allele origin: germline.
Comment: This sequence change replaces alanine with serine at codon 2781 of the NEB protein (p.Ala2781Ser). The alanine residue is weakly conserved and there is a moderate physicochemical difference between alanine and serine. This variant is not present in population databases (ExAC no frequency). This variant has not been reported in the literature in individuals affected with NEB-related conditions. ClinVar contains an entry for this variant (Variation ID: 465645). Algorithms developed to predict the effect of missense changes on protein structure and function are either unavailable or do not agree on the potential impact of this missense change (SIFT: "Tolerated"; PolyPhen-2: "Not Available"; Align-GVGD: "Class C0"). In summary, the available evidence is currently insufficient to determine the role of this variant in disease. Therefore, it has been classified as a Variant of Uncertain Significance.

Natera, Inc.
Classification: Uncertain significance for Nemaline myopathy type 2. Last evaluated: 2021-04-21. Review status: no assertion criteria provided. Collection method: clinical testing. Allele origin: germline. Not counted in ClinVar's aggregate classification.